The following is an entry in ClinVar:

NM_000742.4(CHRNA2):c.1437C>T (p.His479=)

Gene: CHRNA2 (cholinergic receptor nicotinic alpha 2 subunit; minus strand). Cytogenetic location: 8p21.2.
Variant type: single nucleotide variant.
Coding change: c.1437C>T on transcript NM_000742.4 (MANE Select); coding-DNA position 1437, C replaced by T.
Protein change: p.His479=; no amino-acid change (histidine 479 retained).
Molecular consequence: synonymous variant.
Genome position (GRCh38, 1-based): chr8:27,463,006, G>A on the plus strand (C>T on the coding strand, the complement: CHRNA2 is on the minus strand). VCF-style: chr8-27463006-G-A. GRCh37 (hg19) VCF-style: chr8-27320523-G-A.
Other names: c.1392C>T, p.His464= (NM_001282455.2); c.960C>T, p.His320= (NM_001347705.2, NM_001347706.2); c.843C>T, p.His281= (NM_001347707.2, NM_001347708.2).
Identifiers: ClinVar variation 377667 (VCV000377667.15), dbSNP rs374849310, ClinGen allele CA4689459.

ClinVar aggregate classification (germline): Benign/Likely benign. Review status: criteria provided, multiple submitters, no conflicts (2 of 4 stars). 4 submissions from 4 submitters: Benign (1); Likely benign (2). 1 of the submissions does not count toward it. Last evaluated 2026-01-12.

Conditions:
CHRNA2-related disorder. Also called: CHRNA2-related condition.
Familial sleep-related hypermotor epilepsy. Also called: Autosomal Dominant Sleep-Related Hypermotor (Hyperkinetic) Epilepsy. Identifiers: Orphanet 98784, MedGen C3696898, MONDO:0000030.
Inborn genetic diseases. Identifiers: MedGen C0950123, MeSH D030342.

Allele frequency attached by ClinVar (database versions not stated): gnomAD exomes 0.00025; ExAC 0.00031; 1000 Genomes Project 0.00080; TOPMed 0.00002; 1000 Genomes Project 30x 0.00078.
gnomAD v4.1: 181 of 1,614,142 alleles (0.011%); highest among the groups gnomAD compares: South Asian, 0.18%; 1 homozygote.

Submissions (4):

Labcorp Genetics (formerly Invitae), Labcorp
Classification: Benign. Last evaluated: 2026-01-12. Review status: criteria provided, single submitter. Criteria: Invitae Variant Classification Sherloc (09022015). Collection method: clinical testing. Allele origin: germline.

Ambry Genetics
Classification: Likely benign for Inborn genetic diseases. Last evaluated: 2017-06-13. Review status: criteria provided, single submitter. Criteria: Ambry Variant Classification Scheme 2023. Collection method: clinical testing. Allele origin: germline.

GeneDx
Classification: Likely benign. Last evaluated: 2016-07-25. Review status: criteria provided, single submitter. Criteria: GeneDx Variant Classification (06012015). Collection method: clinical testing. Allele origin: germline. Affected: yes.
Comment: This variant is considered likely benign or benign based on one or more of the following criteria: it is a conservative change, it occurs at a poorly conserved position in the protein, it is predicted to be benign by multiple in silico algorithms, and/or has population frequency not consistent with disease.

PreventionGenetics, part of Exact Sciences
Classification: Likely benign for CHRNA2-related condition. Last evaluated: 2019-04-05. Review status: no assertion criteria provided. Collection method: clinical testing. Allele origin: germline. Not counted in ClinVar's aggregate classification.
Comment: This variant is classified as likely benign based on ACMG/AMP sequence variant interpretation guidelines (Richards et al. 2015 PMID: 25741868, with internal and published modifications).